The following is an entry in ClinVar:

NM_002519.3(NPAT):c.4219C>G (p.Pro1407Ala)

Gene: NPAT (nuclear protein, coactivator of histone transcription; minus strand). Cytogenetic location: 11q22.3.
Variant type: single nucleotide variant.
Coding change: c.4219C>G on transcript NM_002519.3 (MANE Select); coding-DNA position 4219, C replaced by G.
Protein change: p.Pro1407Ala; replaces proline 1407 with alanine.
Molecular consequence: missense variant.
Genome position (GRCh38, 1-based): chr11:108,159,007, G>C on the plus strand (C>G on the coding strand, the complement: NPAT is on the minus strand). VCF-style: chr11-108159007-G-C. GRCh37 (hg19) VCF-style: chr11-108029734-G-C.
Other names: c.4240C>G, p.Pro1414Ala (NM_001321307.1); short protein forms P1407A, P1414A.
Identifiers: ClinVar variation 1738797 (VCV001738797.4), dbSNP rs758500896, ClinGen allele CA6263443.

ClinVar aggregate classification (germline): Uncertain significance. Review status: criteria provided, multiple submitters, no conflicts (2 of 4 stars). 2 submissions from 2 submitters: Uncertain significance (2). Last evaluated 2024-07-09.

Allele frequency attached by ClinVar (database versions not stated): gnomAD exomes below 0.00001; ExAC 0.00003; gnomAD 0.00007; TOPMed 0.00012.
gnomAD v4.1: 15 of 1,605,770 alleles (0.00093%); highest among the groups gnomAD compares: African/African-American, 0.02%; no homozygotes.

Submissions (2):

Labcorp Genetics (formerly Invitae), Labcorp
Classification: Uncertain significance. Last evaluated: 2024-07-09. Review status: criteria provided, single submitter. Criteria: Invitae Variant Classification Sherloc (09022015). Collection method: clinical testing. Allele origin: germline.
Comment: This sequence change replaces proline, which is neutral and non-polar, with alanine, which is neutral and non-polar, at codon 1407 of the NPAT protein (p.Pro1407Ala). This variant is present in population databases (rs758500896, gnomAD 0.03%). This variant has not been reported in the literature in individuals affected with NPAT-related conditions. ClinVar contains an entry for this variant (Variation ID: 1738797). An algorithm developed to predict the effect of missense changes on protein structure and function (PolyPhen-2) suggests that this variant is likely to be disruptive. In summary, the available evidence is currently insufficient to determine the role of this variant in disease. Therefore, it has been classified as a Variant of Uncertain Significance.

Ambry Genetics
Classification: Uncertain significance. Last evaluated: 2023-09-30. Review status: criteria provided, single submitter. Criteria: Ambry Variant Classification Scheme 2023. Collection method: clinical testing. Allele origin: germline.
Comment: The p.P1407A variant (also known as c.4219C>G), located in coding exon 18 of the NPAT gene, results from a C to G substitution at nucleotide position 4219. The proline at codon 1407 is replaced by alanine, an amino acid with highly similar properties. This amino acid position is conserved. In addition, this alteration is predicted to be tolerated by in silico analysis. Since supporting evidence is limited at this time, the clinical significance of this alteration remains unclear.